The following is an entry in ClinVar:

NM_004360.5(CDH1):c.1745T>A (p.Leu582Gln)

Gene: CDH1 (cadherin 1; plus strand). Cytogenetic location: 16q22.1.
Variant type: single nucleotide variant.
Coding change: c.1745T>A on transcript NM_004360.5 (MANE Select); coding-DNA position 1745, T replaced by A.
Protein change: p.Leu582Gln; replaces leucine 582 with glutamine.
Molecular consequence: missense variant. On other transcripts: 5 prime UTR variant (1).
Genome position (GRCh38, 1-based): chr16:68,822,034, T>A. VCF-style: chr16-68822034-T-A. GRCh37 (hg19) VCF-style: chr16-68855937-T-A.
Other names: c.1562T>A, p.Leu521Gln (NM_001317184.2); c.197T>A, p.Leu66Gln (NM_001317185.2); c.-221T>A (NM_001317186.2); short protein forms L582Q, L521Q, L66Q.
Identifiers: ClinVar variation 819990 (VCV000819990.13), dbSNP rs1596963398, ClinGen allele CA396466397.
Genomic context (GRCh38, chr16:68,822,034, plus strand): 5'-CCACATTTTCTGTGTATTTTCTCTTAGGTTCTCCAGTTGCTACTGGAACAGGGACACTTC[T>A]GCTGATCCTGTCTGATGTGAATGACAACGCCCCCATACCAGAACCTCGAACTATATTCTT-3'
Protein context (NP_004351.1, residues 572-592): SPVATGTGTL[Leu582Gln]LILSDVNDNA

ClinVar aggregate classification (germline): Uncertain significance. Review status: criteria provided, multiple submitters, no conflicts (2 of 4 stars). 2 submissions from 2 submitters: Uncertain significance (2). Last evaluated 2024-09-06.

Conditions:
Hereditary diffuse gastric adenocarcinoma (HDGC). Also called: DIFFUSE GASTRIC AND LOBULAR BREAST CANCER SYNDROME. Identifiers: Orphanet 26106, MedGen C1708349, MONDO:0007648, OMIM 137215.
Hereditary cancer-predisposing syndrome. Also called: Hereditary Cancer Syndrome; Neoplastic Syndromes, Hereditary; Hereditary neoplastic syndrome; Tumor predisposition. Identifiers: Orphanet 140162, MedGen C0027672, MeSH D009386, MONDO:0015356.

Submissions (2):

Labcorp Genetics (formerly Invitae), Labcorp
Classification: Uncertain significance for Hereditary diffuse gastric adenocarcinoma. Last evaluated: 2024-09-06. Review status: criteria provided, single submitter. Criteria: Invitae Variant Classification Sherloc (09022015). Collection method: clinical testing. Allele origin: germline.
Comment: This sequence change replaces leucine, which is neutral and non-polar, with glutamine, which is neutral and polar, at codon 582 of the CDH1 protein (p.Leu582Gln). This variant is not present in population databases (gnomAD no frequency). This variant has not been reported in the literature in individuals affected with CDH1-related conditions. ClinVar contains an entry for this variant (Variation ID: 819990). An algorithm developed to predict the effect of missense changes on protein structure and function outputs the following: PolyPhen-2: "Benign". The glutamine amino acid residue is found in multiple mammalian species, which suggests that this missense change does not adversely affect protein function. In summary, the available evidence is currently insufficient to determine the role of this variant in disease. Therefore, it has been classified as a Variant of Uncertain Significance.

Ambry Genetics
Classification: Uncertain significance for Hereditary cancer-predisposing syndrome. Last evaluated: 2019-02-20. Review status: criteria provided, single submitter. Criteria: Ambry Variant Classification Scheme 2023. Collection method: clinical testing. Allele origin: germline.
Comment: The p.L582Q variant (also known as c.1745T>A), located in coding exon 12 of the CDH1 gene, results from a T to A substitution at nucleotide position 1745. The leucine at codon 582 is replaced by glutamine, an amino acid with dissimilar properties. This amino acid position is well conserved in available vertebrate species. In addition, this alteration is predicted to be tolerated by in silico analysis. Since supporting evidence is limited at this time, the clinical significance of this alteration remains unclear.